The following is an entry in ClinVar:

NM_152443.3(RDH12):c.635G>T (p.Arg212Leu)

Genes: RDH12 (retinol dehydrogenase 12; plus strand), GPHN (gephyrin; plus strand). Cytogenetic location: 14q24.1.
Variant type: single nucleotide variant.
Coding change: c.635G>T on transcript NM_152443.3 (MANE Select); coding-DNA position 635, G replaced by T.
Protein change: p.Arg212Leu; replaces arginine 212 with leucine.
Molecular consequence: missense variant.
Genome position (GRCh38, 1-based): chr14:67,727,167, G>T. VCF-style: chr14-67727167-G-T. GRCh37 (hg19) VCF-style: chr14-68193884-G-T.
Other names: short protein forms R212L.
Identifiers: ClinVar variation 1361016 (VCV001361016.6), dbSNP rs768529116, ClinGen allele CA390151591.
Genomic context (GRCh38, chr14:67,727,167, plus strand): 5'-AGCGCTACAGCAGGGGTTTTGCCTATTGCCACAGCAAGCTGGCCAATGTGCTTTTTACTC[G>T]TGAGCTGGCCAAGAGGCTCCAAGGTAAGTCTGGAGAAAGAGGAATAGCAAAAATGGTCCT-3'
Protein context (NP_689656.2, residues 202-222): HSKLANVLFT[Arg212Leu]ELAKRLQGTG

ClinVar aggregate classification (germline): Uncertain significance (1 of 4 stars; one submission).

Conditions:
Leber congenital amaurosis 13 (LCA13). Identifiers: MedGen C2675186, MONDO:0012990, OMIM 612712.

Allele frequency attached by ClinVar (database versions not stated): TOPMed below 0.00001.
gnomAD v4.1: 2 of 1,613,514 alleles (0.00012%); highest among the groups gnomAD compares: Non-Finnish European, 0.00017%; no homozygotes.

Submission:

Labcorp Genetics (formerly Invitae), Labcorp
Classification: Uncertain significance for Leber congenital amaurosis 13. Last evaluated: 2024-11-05. Review status: criteria provided, single submitter. Criteria: Invitae Variant Classification Sherloc (09022015). Collection method: clinical testing. Allele origin: germline.
Comment: This sequence change replaces arginine, which is basic and polar, with leucine, which is neutral and non-polar, at codon 212 of the RDH12 protein (p.Arg212Leu). This variant is not present in population databases (gnomAD no frequency). This variant has not been reported in the literature in individuals affected with RDH12-related conditions. ClinVar contains an entry for this variant (Variation ID: 1361016). Invitae Evidence Modeling of protein sequence and biophysical properties (such as structural, functional, and spatial information, amino acid conservation, physicochemical variation, residue mobility, and thermodynamic stability) indicates that this missense variant is not expected to disrupt RDH12 protein function with a negative predictive value of 80%. In summary, the available evidence is currently insufficient to determine the role of this variant in disease. Therefore, it has been classified as a Variant of Uncertain Significance.